The following is an entry in ClinVar:

ClinVar aggregate classification (germline): Likely benign (1 of 4 stars; one submission).

Conditions:
TUB-related disorder. Also called: TUB-related condition.

gnomAD v4.1: 3 of 1,614,104 alleles (0.00019%); highest among the groups gnomAD compares: Non-Finnish European, 0.00025%; no homozygotes.

Submission:

PreventionGenetics, part of Exact Sciences
Classification: Likely benign for TUB-related condition. Last evaluated: 2026-05-07. Review status: criteria provided, single submitter. Criteria: ACMG Guidelines, 2015. Collection method: clinical testing. Allele origin: germline.
Comment: This variant is classified as likely benign based on ACMG/AMP sequence variant interpretation guidelines (Richards et al. 2015 PMID: 25741868, with internal and published modifications).

NM_177972.3(TUB):c.*5C>T

Genes: RIC3 (RIC3 acetylcholine receptor chaperone; minus strand), TUB (TUB bipartite transcription factor; plus strand). Cytogenetic location: 11p15.4.
Variant type: single nucleotide variant.
Coding change: c.*5C>T on transcript NM_177972.3 (MANE Select); 5 bases downstream of the stop codon, C replaced by T.
Molecular consequence: 3 prime UTR variant. On other transcripts: intron variant (2).
Genome position (GRCh38, 1-based): chr11:8,101,624, C>T. VCF-style: chr11-8101624-C-T. GRCh37 (hg19) VCF-style: chr11-8123171-C-T.
Other names: c.*5C>T (NM_001440538.1, NM_001440540.1, NM_001440541.1 and 1 more transcripts); c.1405+627C>T (NM_001440539.1); c.1237+627C>T (NM_001440542.1).
Identifiers: ClinVar variation 4995880 (VCV004995880.1).